The following is an entry in ClinVar:

NM_001042681.2(RERE):c.3570GGAGCG[2] (p.1192RE[4])

Gene: RERE (arginine-glutamic acid dipeptide repeats; minus strand). Cytogenetic location: 1p36.23.
Variant type: Microsatellite.
Coding change: c.3570GGAGCG[2] on transcript NM_001042681.2 (MANE Select); two copies in a row of the 6-base unit GGAGCG starting at c.3570; the reference has three copies in a row; one copy, 6 bases deleted.
Protein change: p.1192RE[4].
Molecular consequence: inframe deletion.
Genome position (GRCh38, 1-based): chr1:8,359,795-8,359,800, CGCTCC deleted on the plus strand (GGAGCG on the coding strand, the reverse complement: RERE is on the minus strand); deleting any 6 consecutive bases within chr1:8,359,795-8,359,812 gives the same sequence; the position shown is the placement nearest the transcript's 3' end. VCF-style (leftmost placement, unchanged base first): chr1-8359794-TCGCTCC-T. GRCh37 (hg19) VCF-style: chr1-8419854-TCGCTCC-T.
Other names: c.3582_3587del6 (NM_012102.3); c.1908GGAGCG[2], p.638RE[4] (NM_001042682.2); c.3570GGAGCG[2], p.1192RE[4] (NM_012102.4).
Identifiers: ClinVar variation 1659966 (VCV001659966.40), dbSNP rs201570536, ClinGen allele CA571096.
Genomic context (GRCh38, chr1:8,359,794, plus strand): 5'-CCCGTCACACCTCGCCAACCCTGGACTCACAGCCGCCCGCTCTGCCTCGCGCTCCCGCTC[TCGCTCC>T]CGCTCCCGCTCCTTCTCCTTCTCCTTCTCCCGCTCTCGCTCCTCTCGGGCTTTCTGCTCA-3'

ClinVar aggregate classification (germline): Conflicting classifications of pathogenicity. Review status: criteria provided, conflicting classifications (1 of 4 stars). 6 submissions from 6 submitters: Uncertain significance (1); Likely benign (4). 1 of the submissions does not count toward it. Last evaluated 2026-01-08.

Conditions:
RERE-related disorder. Also called: RERE-Related Disorders; RERE-related condition. Identifiers: MedGen CN381537.

Submissions (6):

Labcorp Genetics (formerly Invitae), Labcorp
Classification: Likely benign. Last evaluated: 2026-01-08. Review status: criteria provided, single submitter. Criteria: Invitae Variant Classification Sherloc (09022015). Collection method: clinical testing. Allele origin: germline.

CeGaT Center for Human Genetics Tuebingen
Classification: Likely benign. Last evaluated: 2025-10-01. Review status: criteria provided, single submitter. Criteria: CeGaT Center For Human Genetics Tuebingen Variant Classification Criteria Version 2. Collection method: clinical testing. Allele origin: germline. Affected: yes. Observed: 12 variant alleles.
Comment: RERE: PM4, BS1, BS2

Laboratory of Genetics, Children's Clinical University Hospital Latvia
Classification: Likely benign. Last evaluated: 2025-02-16. Review status: criteria provided, single submitter. Criteria: ACMG Guidelines, 2015. Collection method: clinical testing. Allele origin: germline. Affected: yes.

Blueprint Genetics
Classification: Likely benign. Last evaluated: 2024-11-20. Review status: criteria provided, single submitter. Criteria: ACMG Guidelines, 2015. Collection method: clinical testing. Allele origin: germline.

GeneDx
Classification: Uncertain significance. Last evaluated: 2024-07-28. Review status: criteria provided, single submitter. Criteria: GeneDx Variant Classification Process June 2021. Collection method: clinical testing. Allele origin: germline. Affected: yes.
Comment: In-frame deletion of 2 amino acids in a non-repeat region; In silico analysis supports a deleterious effect on protein structure/function; Has not been previously published as pathogenic or benign to our knowledge

PreventionGenetics, part of Exact Sciences
Classification: Likely benign for RERE-related condition. Last evaluated: 2022-02-04. Review status: no assertion criteria provided. Collection method: clinical testing. Allele origin: germline. Not counted in ClinVar's aggregate classification.
Comment: This variant is classified as likely benign based on ACMG/AMP sequence variant interpretation guidelines (Richards et al. 2015 PMID: 25741868, with internal and published modifications).